The following is an entry in ClinVar:

ClinVar aggregate classification (germline): Uncertain significance. Review status: criteria provided, multiple submitters, no conflicts (2 of 4 stars). 4 submissions from 4 submitters: Uncertain significance (4). Last evaluated 2025-09-09.

Conditions:
Combined oxidative phosphorylation defect type 17. Also called: Combined oxidative phosphorylation deficiency 17. Identifiers: Orphanet 369913, MedGen C3809526, MONDO:0014190, OMIM 615440.
Inborn genetic diseases. Identifiers: MedGen C0950123, MeSH D030342.

Allele frequency attached by ClinVar (database versions not stated): TOPMed 0.00005; gnomAD 0.00006.
gnomAD v4.1: 113 of 1,564,568 alleles (0.0072%); highest among the groups gnomAD compares: Non-Finnish European, 0.0097%; no homozygotes.

Submissions (4):

GeneDx
Classification: Uncertain significance. Last evaluated: 2025-09-09. Review status: criteria provided, single submitter. Criteria: GeneDx Variant Classification Process June 2021. Collection method: clinical testing. Allele origin: germline. Affected: yes.
Comment: Not observed at significant frequency in large population cohorts (gnomAD); In silico analysis suggests that this missense variant does not alter protein structure/function; Has not been previously published as pathogenic or benign to our knowledge

Ambry Genetics
Classification: Uncertain significance for Inborn genetic diseases. Last evaluated: 2024-05-15. Review status: criteria provided, single submitter. Criteria: Ambry Variant Classification Scheme 2023. Collection method: clinical testing. Allele origin: germline.

Labcorp Genetics (formerly Invitae), Labcorp
Classification: Uncertain significance for Combined oxidative phosphorylation defect type 17. Last evaluated: 2024-01-01. Review status: criteria provided, single submitter. Criteria: Invitae Variant Classification Sherloc (09022015). Collection method: clinical testing. Allele origin: germline.
Comment: This sequence change replaces arginine, which is basic and polar, with leucine, which is neutral and non-polar, at codon 33 of the ELAC2 protein (p.Arg33Leu). This variant is present in population databases (rs771550822, gnomAD 0.009%). This variant has not been reported in the literature in individuals affected with ELAC2-related conditions. ClinVar contains an entry for this variant (Variation ID: 474569). An algorithm developed to predict the effect of missense changes on protein structure and function (PolyPhen-2) suggests that this variant¬†is likely to be tolerated. In summary, the available evidence is currently insufficient to determine the role of this variant in disease. Therefore, it has been classified as a Variant of Uncertain Significance.

Stanford Center for Inherited Cardiovascular Disease, Stanford University
Classification: Uncertain significance. Last evaluated: 2017-08-31. Review status: criteria provided, single submitter. Criteria: ACMG Guidelines, 2015. Collection method: provider interpretation. Allele origin: germline.

NM_018127.7(ELAC2):c.98G>T (p.Arg33Leu)

Gene: ELAC2 (elaC ribonuclease Z 2; minus strand). Cytogenetic location: 17p12.
Variant type: single nucleotide variant.
Coding change: c.98G>T on transcript NM_018127.7 (MANE Select); coding-DNA position 98, G replaced by T.
Protein change: p.Arg33Leu; replaces arginine 33 with leucine.
Molecular consequence: missense variant.
Genome position (GRCh38, 1-based): chr17:13,017,850, C>A on the plus strand (G>T on the coding strand, the complement: ELAC2 is on the minus strand). VCF-style: chr17-13017850-C-A. GRCh37 (hg19) VCF-style: chr17-12921167-C-A.
Other names: c.98G>T, p.Arg33Leu (NM_001165962.2, NM_173717.2); short protein forms R33L.
Identifiers: ClinVar variation 474569 (VCV000474569.10), dbSNP rs771550822, ClinGen allele CA8401840.